The following is an entry in ClinVar:

NM_001044.5(SLC6A3):c.310C>A (p.Leu104Ile)

Gene: SLC6A3 (solute carrier family 6 member 3). Cytogenetic location: 5p15.33.
Variant type: single nucleotide variant.
Coding change: c.310C>A on transcript NM_001044.5 (MANE Select); coding-DNA position 310, C replaced by A.
Protein change: p.Leu104Ile; replaces leucine 104 with isoleucine.
Molecular consequence: missense variant.
Genome position (GRCh38, 1-based): chr5:1,441,467, G>T on the plus strand (C>A on the coding strand, the complement: SLC6A3 is on the minus strand). VCF-style: chr5-1441467-G-T. GRCh37 (hg19) VCF-style: chr5-1441582-G-T.
Other names: short protein forms L104I.
Identifiers: ClinVar variation 1358747 (VCV001358747.6), dbSNP rs141740642, ClinGen allele CA112968773.

ClinVar aggregate classification (germline): Uncertain significance (1 of 4 stars; one submission).

Conditions:
Parkinsonism-dystonia, infantile. Identifiers: Orphanet 238455, MedGen C2751067, MONDO:0013150.

Allele frequency attached by ClinVar (database versions not stated): ESP Exome Variant Server 0.00008.

Submission:

Labcorp Genetics (formerly Invitae), Labcorp
Classification: Uncertain significance for Parkinsonism-dystonia, infantile. Last evaluated: 2021-11-24. Review status: criteria provided, single submitter. Criteria: Invitae Variant Classification Sherloc (09022015). Collection method: clinical testing. Allele origin: germline.
Comment: In summary, the available evidence is currently insufficient to determine the role of this variant in disease. Therefore, it has been classified as a Variant of Uncertain Significance. Algorithms developed to predict the effect of missense changes on protein structure and function (SIFT, PolyPhen-2, Align-GVGD) all suggest that this variant is likely to be tolerated. This variant has not been reported in the literature in individuals affected with SLC6A3-related conditions. This variant is not present in population databases (gnomAD no frequency). This sequence change replaces leucine, which is neutral and non-polar, with isoleucine, which is neutral and non-polar, at codon 104 of the SLC6A3 protein (p.Leu104Ile).